The following is an entry in ClinVar:

NM_004415.4(DSP):c.686G>A (p.Gly229Asp)

Gene: DSP (desmoplakin; plus strand). Cytogenetic location: 6p24.3.
Variant type: single nucleotide variant.
Coding change: c.686G>A on transcript NM_004415.4 (MANE Select); coding-DNA position 686, G replaced by A.
Protein change: p.Gly229Asp; replaces glycine 229 with aspartic acid.
Molecular consequence: missense variant.
Genome position (GRCh38, 1-based): chr6:7,562,740, G>A. VCF-style: chr6-7562740-G-A. GRCh37 (hg19) VCF-style: chr6-7562973-G-A.
Other names: c.686G>A, p.Gly229Asp (NM_001008844.3, NM_001319034.2, NM_001406591.1); short protein forms G229D.
Identifiers: ClinVar variation 2447304 (VCV002447304.2), dbSNP rs546805348, ClinGen allele CA048531.

ClinVar aggregate classification (germline): Uncertain significance (1 of 4 stars; one submission).

Conditions:
Cardiovascular phenotype. Identifiers: MedGen CN230736.

Allele frequency attached by ClinVar (database versions not stated): gnomAD exomes below 0.00001; ExAC 0.00001; gnomAD 0.00001; TOPMed 0.00001; 1000 Genomes Project 0.00020; 1000 Genomes Project 30x 0.00031.
gnomAD v4.1: 4 of 1,614,140 alleles (0.00025%); highest among the groups gnomAD compares: African/African-American, 0.0053%; no homozygotes.

Submission:

Ambry Genetics
Classification: Uncertain significance for Cardiovascular phenotype. Last evaluated: 2022-11-03. Review status: criteria provided, single submitter. Criteria: Ambry Variant Classification Scheme 2023. Collection method: clinical testing. Allele origin: germline.
Comment: The p.G229D variant (also known as c.686G>A), located in coding exon 5 of the DSP gene, results from a G to A substitution at nucleotide position 686. The glycine at codon 229 is replaced by aspartic acid, an amino acid with similar properties. This amino acid position is not well conserved in available vertebrate species. In addition, the in silico prediction for this alteration is inconclusive. Since supporting evidence is limited at this time, the clinical significance of this alteration remains unclear.